The following is an entry in ClinVar:

NM_016938.5(EFEMP2):c.668C>T (p.Thr223Ile)

Gene: EFEMP2 (EGF-like fibulin extracellular matrix protein 2; minus strand). Cytogenetic location: 11q13.1.
Variant type: single nucleotide variant.
Coding change: c.668C>T on transcript NM_016938.5 (MANE Select); coding-DNA position 668, C replaced by T.
Protein change: p.Thr223Ile; replaces threonine 223 with isoleucine.
Molecular consequence: missense variant. On other transcripts: non-coding transcript variant (1).
Genome position (GRCh38, 1-based): chr11:65,869,916, G>A on the plus strand (C>T on the coding strand, the complement: EFEMP2 is on the minus strand). VCF-style: chr11-65869916-G-A. GRCh37 (hg19) VCF-style: chr11-65637387-G-A.
Other names: short protein forms T223I.
Identifiers: ClinVar variation 1975061 (VCV001975061.7), dbSNP rs1171021914, ClinGen allele CA381359145.

ClinVar aggregate classification (germline): Uncertain significance. Review status: criteria provided, multiple submitters, no conflicts (2 of 4 stars). 2 submissions from 2 submitters: Uncertain significance (2). Last evaluated 2024-07-25.

Conditions:
Cutis laxa, autosomal recessive, type 1B (ARCL1B). Also called: EFEMP2-Related Cutis Laxa; CUTIS LAXA, AUTOSOMAL RECESSIVE, TYPE IB. Identifiers: Orphanet 90349, MedGen C3280798, MONDO:0013754, OMIM 614437. Disease mechanism: loss of function.
Cardiovascular phenotype. Identifiers: MedGen CN230736.

gnomAD v4.1: 1 of 1,614,068 alleles (0.000062%); highest among the groups gnomAD compares: Non-Finnish European, 0.000085%; no homozygotes.

Submissions (2):

Ambry Genetics
Classification: Uncertain significance for Cardiovascular phenotype. Last evaluated: 2024-07-25. Review status: criteria provided, single submitter. Criteria: Ambry Variant Classification Scheme 2023. Collection method: clinical testing. Allele origin: germline.
Comment: The p.T223I variant (also known as c.668C>T), located in coding exon 6 of the EFEMP2 gene, results from a C to T substitution at nucleotide position 668. The threonine at codon 223 is replaced by isoleucine, an amino acid with similar properties. This amino acid position is conserved. In addition, the in silico prediction for this alteration is inconclusive. Based on the available evidence, the clinical significance of this variant remains unclear.

Labcorp Genetics (formerly Invitae), Labcorp
Classification: Uncertain significance for Cutis laxa, autosomal recessive, type 1B. Last evaluated: 2023-05-08. Review status: criteria provided, single submitter. Criteria: Invitae Variant Classification Sherloc (09022015). Collection method: clinical testing. Allele origin: germline.
Comment: ClinVar contains an entry for this variant (Variation ID: 1975061). This sequence change replaces threonine, which is neutral and polar, with isoleucine, which is neutral and non-polar, at codon 223 of the EFEMP2 protein (p.Thr223Ile). This variant is present in population databases (no rsID available, gnomAD 0.0009%). This variant has not been reported in the literature in individuals affected with EFEMP2-related conditions. Advanced modeling of protein sequence and biophysical properties (such as structural, functional, and spatial information, amino acid conservation, physicochemical variation, residue mobility, and thermodynamic stability) performed at Invitae indicates that this missense variant is not expected to disrupt EFEMP2 protein function. In summary, the available evidence is currently insufficient to determine the role of this variant in disease. Therefore, it has been classified as a Variant of Uncertain Significance.